The following is an entry in ClinVar:

ClinVar aggregate classification (germline): Likely benign. Review status: criteria provided, multiple submitters, no conflicts (2 of 4 stars). 3 submissions from 3 submitters: Likely benign (3). Last evaluated 2025-08-18.

Allele frequency attached by ClinVar (database versions not stated): ESP Exome Variant Server 0.00930; 1000 Genomes Project 0.00978; 1000 Genomes Project 30x 0.00984; TOPMed 0.01057.
gnomAD v4.1: 2,817 of 1,611,388 alleles (0.17%); highest among the groups gnomAD compares: African/African-American, 3.3%; 48 homozygotes.

Submissions (3):

Genomic Medicine Center of Excellence, King Faisal Specialist Hospital and Research Centre
Classification: Likely benign. Last evaluated: 2025-08-18. Review status: criteria provided, single submitter. Criteria: ACMG Guidelines, 2015. Collection method: clinical testing. Allele origin: germline.

Center for Pediatric Genomic Medicine, Children's Mercy Hospital and Clinics
Classification: Likely benign. Last evaluated: 2016-02-10. Review status: criteria provided, single submitter. Criteria: ACMG Guidelines, 2015. Collection method: clinical testing. Allele origin: germline.
ClinVar note: Converted during submission from Likely Benign to Likely benign.

Breakthrough Genomics
Classification: Likely benign. Review status: criteria provided, single submitter. Criteria: ACMG Guidelines, 2015. Collection method: not provided. Allele origin: germline. Inheritance: Autosomal dominant inheritance. Affected: yes.

NM_001135091.2(MUC15):c.137C>G (p.Ser46Trp)

Genes: ANO3 (anoctamin 3; plus strand), MUC15 (mucin 15, cell surface associated; minus strand). Cytogenetic location: 11p14.2.
Variant type: single nucleotide variant.
Coding change: c.137C>G on transcript NM_001135091.2 (MANE Select); coding-DNA position 137, C replaced by G.
Protein change: p.Ser46Trp; replaces serine 46 with tryptophan.
Molecular consequence: missense variant. On other transcripts: intron variant (3).
Genome position (GRCh38, 1-based): chr11:26,565,803, G>C on the plus strand (C>G on the coding strand, the complement: MUC15 is on the minus strand). VCF-style: chr11-26565803-G-C. GRCh37 (hg19) VCF-style: chr11-26587350-G-C.
Other names: c.137C>G, p.Ser46Trp (NM_001135092.2); c.56C>G, p.Ser19Trp (NM_145650.4); c.1630+6024G>C (NM_001313726.2); c.1447+6024G>C (NM_031418.4); c.1009+6024G>C (NM_001313727.2); short protein forms S19W, S46W.
Identifiers: ClinVar variation 235242 (VCV000235242.6), dbSNP rs293979, ClinGen allele CA5926194.